The following is an entry in ClinVar:

NM_001127222.2(CACNA1A):c.978+3A>C

Gene: CACNA1A (calcium voltage-gated channel subunit alpha1 A; minus strand). Cytogenetic location: 19p13.13.
Variant type: single nucleotide variant.
Coding change: c.978+3A>C on transcript NM_001127222.2 (MANE Select); 3 bases into the intron after coding-DNA position 978, A replaced by C.
Molecular consequence: intron variant.
Genome position (GRCh38, 1-based): chr19:13,359,603, T>G on the plus strand (A>C on the coding strand, the complement: CACNA1A is on the minus strand). VCF-style: chr19-13359603-T-G. GRCh37 (hg19) VCF-style: chr19-13470417-T-G.
Other names: c.978+3A>C (NM_001127221.2, NM_001174080.2, NM_000068.4 and 1 more transcripts).
Identifiers: ClinVar variation 3755536 (VCV003755536.2).
Genomic context (GRCh38, chr19:13,359,603, plus strand): 5'-GTCCCAGGAGGCCACCTCCCTGAGACTCTGATTGTCCACACACACTGTCCCAGCATCACT[T>G]ACATTGTAGAGGAGATCAGTCCACCCTTCCATGGTTATGCACTGGAAAACAGTCAGCACT-3'

ClinVar aggregate classification (germline): Uncertain significance (1 of 4 stars; one submission).

Conditions:
Episodic ataxia type 2 (EA2). Also called: ATAXIA, EPISODIC, WITH NYSTAGMUS; ATAXIA, FAMILIAL PAROXYSMAL; ACETAZOLAMIDE-RESPONSIVE HEREDITARY PAROXYSMAL CEREBELLAR ATAXIA; CEREBELLAR ATAXIA, PAROXYSMAL, ACETAZOLAMIDE-RESPONSIVE; CEREBELLOPATHY, HEREDITARY PAROXYSMAL; EPISODIC ATAXIA, NYSTAGMUS-ASSOCIATED. Identifiers: Orphanet 97, MedGen C1720416, MONDO:0007163, OMIM 108500.
Developmental and epileptic encephalopathy, 42 (DEE42A). Also called: Epileptic encephalopathy, early infantile, 42; DEVELOPMENTAL AND EPILEPTIC ENCEPHALOPATHY 42A; EPILEPTIC ENCEPHALOPATHY, EARLY INFANTILE, 42A. Identifiers: MedGen C4310716, MONDO:0014917, OMIM 617106.

Submission:

Labcorp Genetics (formerly Invitae), Labcorp
Classification: Uncertain significance for Developmental and epileptic encephalopathy, 42; Episodic ataxia type 2. Last evaluated: 2024-03-27. Review status: criteria provided, single submitter. Criteria: Invitae Variant Classification Sherloc (09022015). Collection method: clinical testing. Allele origin: germline.
Comment: This sequence change falls in intron 6 of the CACNA1A gene. It does not directly change the encoded amino acid sequence of the CACNA1A protein. It affects a nucleotide within the consensus splice site. This variant is not present in population databases (gnomAD no frequency). This variant has not been reported in the literature in individuals affected with CACNA1A-related conditions. Variants that disrupt the consensus splice site are a relatively common cause of aberrant splicing (PMID: 17576681, 9536098). Algorithms developed to predict the effect of sequence changes on RNA splicing suggest that this variant may disrupt the consensus splice site. In summary, the available evidence is currently insufficient to determine the role of this variant in disease. Therefore, it has been classified as a Variant of Uncertain Significance.

Literature cited by the submitters: PubMed 17576681; PubMed 9536098.